The following is an entry in ClinVar:

NM_017654.4(SAMD9):c.2231C>G (p.Thr744Ser)

Gene: SAMD9 (sterile alpha motif domain containing 9; minus strand). Cytogenetic location: 7q21.2.
Variant type: single nucleotide variant.
Coding change: c.2231C>G on transcript NM_017654.4 (MANE Select); coding-DNA position 2231, C replaced by G.
Protein change: p.Thr744Ser; replaces threonine 744 with serine.
Molecular consequence: missense variant.
Genome position (GRCh38, 1-based): chr7:93,103,867, G>C on the plus strand (C>G on the coding strand, the complement: SAMD9 is on the minus strand). VCF-style: chr7-93103867-G-C. GRCh37 (hg19) VCF-style: chr7-92733180-G-C.
Other names: c.2231C>G, p.Thr744Ser (NM_001193307.2); short protein forms T744S.
Identifiers: ClinVar variation 4863770 (VCV004863770.2).

ClinVar aggregate classification (germline): Uncertain significance. Review status: criteria provided, multiple submitters, no conflicts (2 of 4 stars). 2 submissions from 2 submitters: Uncertain significance (2). Last evaluated 2026-03-23.

Conditions:
Inborn genetic diseases. Identifiers: MedGen C0950123, MeSH D030342.

Submissions (2):

Ambry Genetics
Classification: Uncertain significance for Inborn genetic diseases. Last evaluated: 2026-03-23. Review status: criteria provided, single submitter. Criteria: Ambry Variant Classification Scheme 2023. Collection method: clinical testing. Allele origin: germline.
Comment: The p.T744S variant (also known as c.2231C>G), located in coding exon 1 of the SAMD9 gene, results from a C to G substitution at nucleotide position 2231. The threonine at codon 744 is replaced by serine, an amino acid with similar properties. This amino acid position is conserved. In addition, the in silico prediction for this alteration is inconclusive. Based on the available evidence, the clinical significance of this variant remains unclear.

Blueprint Genetics
Classification: Uncertain significance. Last evaluated: 2021-03-03. Review status: criteria provided, single submitter. Criteria: ACMG Guidelines, 2015. Collection method: clinical testing. Allele origin: germline.